The following is an entry in ClinVar:

ClinVar aggregate classification (germline): Uncertain significance (1 of 4 stars; one submission).

Allele frequency attached by ClinVar (database versions not stated): gnomAD exomes below 0.00001; TOPMed below 0.00001.

Submission:

Labcorp Genetics (formerly Invitae), Labcorp
Classification: Uncertain significance. Last evaluated: 2021-09-21. Review status: criteria provided, single submitter. Criteria: Invitae Variant Classification Sherloc (09022015). Collection method: clinical testing. Allele origin: germline.
Comment: In summary, the available evidence is currently insufficient to determine the role of this variant in disease. Therefore, it has been classified as a Variant of Uncertain Significance. Algorithms developed to predict the effect of missense changes on protein structure and function are either unavailable or do not agree on the potential impact of this missense change (SIFT: "Not Available"; PolyPhen-2: "Benign"; Align-GVGD: "Not Available"). This variant has not been reported in the literature in individuals affected with KCNK4-related conditions. This variant is not present in population databases (ExAC no frequency). This sequence change replaces alanine with valine at codon 26 of the KCNK4 protein (p.Ala26Val). The alanine residue is moderately conserved and there is a small physicochemical difference between alanine and valine.

NM_033310.3(KCNK4):c.77C>T (p.Ala26Val)

Genes: KCNK4 (potassium two pore domain channel subfamily K member 4; plus strand), KCNK4-CATSPERZ (KCNK4-CATSPERZ readthrough (NMD candidate); plus strand). Cytogenetic location: 11q13.1.
Variant type: single nucleotide variant.
Coding change: c.77C>T on transcript NM_033310.3 (MANE Select); coding-DNA position 77, C replaced by T.
Protein change: p.Ala26Val; replaces alanine 26 with valine.
Molecular consequence: missense variant. On other transcripts: non-coding transcript variant (2).
Genome position (GRCh38, 1-based): chr11:64,293,095, C>T. VCF-style: chr11-64293095-C-T. GRCh37 (hg19) VCF-style: chr11-64060567-C-T.
Other names: c.77C>T, p.Ala26Val (NM_001317090.2); short protein forms A26V.
Identifiers: ClinVar variation 1382771 (VCV001382771.6), dbSNP rs2034679555, ClinGen allele CA381158268.